The following is an entry in ClinVar:

ClinVar aggregate classification (germline): Uncertain significance. Review status: criteria provided, multiple submitters, no conflicts (2 of 4 stars). 2 submissions from 2 submitters: Uncertain significance (2). Last evaluated 2025-07-19.

Submissions (2):

Ambry Genetics
Classification: Uncertain significance. Last evaluated: 2025-07-19. Review status: criteria provided, single submitter. Criteria: Ambry Variant Classification Scheme 2023. Collection method: clinical testing. Allele origin: germline.
Comment: The p.M105I variant (also known as c.315G>A), located in coding exon 3 of the GFI1 gene, results from a G to A substitution at nucleotide position 315. The methionine at codon 105 is replaced by isoleucine, an amino acid with highly similar properties. This amino acid position is conserved. In addition, this alteration is predicted to be tolerated by in silico analysis. Based on the available evidence, the clinical significance of this variant remains unclear.

Blueprint Genetics
Classification: Uncertain significance. Last evaluated: 2020-10-21. Review status: criteria provided, single submitter. Criteria: ACMG Guidelines, 2015. Collection method: clinical testing. Allele origin: germline.

NM_005263.5(GFI1):c.315G>A (p.Met105Ile)

Gene: GFI1 (growth factor independent 1 transcriptional repressor; minus strand). Cytogenetic location: 1p22.1.
Variant type: single nucleotide variant.
Coding change: c.315G>A on transcript NM_005263.5 (MANE Select); coding-DNA position 315, G replaced by A.
Protein change: p.Met105Ile; replaces methionine 105 with isoleucine.
Molecular consequence: missense variant.
Genome position (GRCh38, 1-based): chr1:92,481,072, C>T on the plus strand (G>A on the coding strand, the complement: GFI1 is on the minus strand). VCF-style: chr1-92481072-C-T. GRCh37 (hg19) VCF-style: chr1-92946629-C-T.
Other names: c.315G>A, p.Met105Ile (NM_001127215.3, NM_001127216.3); short protein forms M105I.
Identifiers: ClinVar variation 4263212 (VCV004263212.2).